The following is an entry in ClinVar:

ClinVar aggregate classification (germline): Uncertain significance (1 of 4 stars; one submission).

Conditions:
Primary ciliary dyskinesia. Also called: Ciliary dyskinesia. Identifiers: Orphanet 244, MedGen C0008780, MONDO:0016575, HP:0012265.

Submission:

Ambry Genetics
Classification: Uncertain significance for Primary ciliary dyskinesia. Last evaluated: 2024-11-23. Review status: criteria provided, single submitter. Criteria: Ambry Variant Classification Scheme 2023. Collection method: clinical testing. Allele origin: germline.
Comment: The p.A154G variant (also known as c.461C>G), located in coding exon 1 of the DNAAF2 gene, results from a C to G substitution at nucleotide position 461. The alanine at codon 154 is replaced by glycine, an amino acid with similar properties. This amino acid position is conserved. In addition, this alteration is predicted to be tolerated by in silico analysis. Based on the available evidence, the clinical significance of this variant remains unclear.

NM_018139.3(DNAAF2):c.461C>G (p.Ala154Gly)

Gene: DNAAF2 (dynein axonemal assembly factor 2; minus strand). Cytogenetic location: 14q21.3.
Variant type: single nucleotide variant.
Coding change: c.461C>G on transcript NM_018139.3 (MANE Select); coding-DNA position 461, C replaced by G.
Protein change: p.Ala154Gly; replaces alanine 154 with glycine.
Molecular consequence: missense variant.
Genome position (GRCh38, 1-based): chr14:49,634,689, G>C on the plus strand (C>G on the coding strand, the complement: DNAAF2 is on the minus strand). VCF-style: chr14-49634689-G-C. GRCh37 (hg19) VCF-style: chr14-50101407-G-C.
Other names: c.461C>G, p.Ala154Gly (NM_001083908.2); short protein forms A154G.
Identifiers: ClinVar variation 3502879 (VCV003502879.1).